The following is an entry in ClinVar:

NM_020778.5(ALPK3):c.155A>C (p.Asn52Thr)

Gene: ALPK3 (alpha kinase 3; plus strand). Cytogenetic location: 15q25.3.
Variant type: single nucleotide variant.
Coding change: c.155A>C on transcript NM_020778.5 (MANE Select); coding-DNA position 155, A replaced by C.
Protein change: p.Asn52Thr; replaces asparagine 52 with threonine.
Molecular consequence: missense variant.
Genome position (GRCh38, 1-based): chr15:84,823,341, A>C. VCF-style: chr15-84823341-A-C. GRCh37 (hg19) VCF-style: chr15-85366572-A-C.
Other names: short protein forms N254T, N52T.
Identifiers: ClinVar variation 373632 (VCV000373632.3), dbSNP rs1057518517, ClinGen allele CA16042962.

ClinVar aggregate classification (germline): Uncertain significance. Review status: criteria provided, multiple submitters, no conflicts (2 of 4 stars). 2 submissions from 2 submitters: Uncertain significance (2). Last evaluated 2024-06-04.

Submissions (2):

Labcorp Genetics (formerly Invitae), Labcorp
Classification: Uncertain significance. Last evaluated: 2024-06-04. Review status: criteria provided, single submitter. Criteria: Invitae Variant Classification Sherloc (09022015). Collection method: clinical testing. Allele origin: germline.
Comment: This sequence change replaces asparagine, which is neutral and polar, with threonine, which is neutral and polar, at codon 254 of the ALPK3 protein (p.Asn254Thr). This variant is not present in population databases (gnomAD no frequency). This variant has not been reported in the literature in individuals affected with ALPK3-related conditions. ClinVar contains an entry for this variant (Variation ID: 373632). An algorithm developed to predict the effect of missense changes on protein structure and function (PolyPhen-2) suggests that this variant is likely to be tolerated. In summary, the available evidence is currently insufficient to determine the role of this variant in disease. Therefore, it has been classified as a Variant of Uncertain Significance.

GeneDx
Classification: Uncertain significance. Last evaluated: 2016-11-29. Review status: criteria provided, single submitter. Criteria: GeneDx Variant Classification (06012015). Collection method: clinical testing. Allele origin: germline. Affected: yes.
Comment: A variant of uncertain significance has been identified in the ALPK3 gene. The N254T variant has not been published as a pathogenic variant, nor has it been reported as a benign variant to our knowledge. This variant was not observed in approximately 6,500 individuals of European and African American ancestry in the NHLBI Exome Sequencing Project, indicating it is not a common benign variant in these populations. However, N254T is a conservative amino acid substitution, which is not likely to impact secondary protein structure as these residues share similar properties. Additionally, this substitution occurs at a position that is not conserved across species and in silico analysis is inconsistent in its predictions as to whether or not the variant is damaging to the protein structure/function.Therefore, based on the currently available information, it is unclear whether this variant is pathogenic or rare benign.